The following is an entry in ClinVar:

NM_002317.7(LOX):c.493G>C (p.Gly165Arg)

Genes: SRFBP1 (serum response factor binding protein 1; plus strand), LOX (lysyl oxidase; minus strand). Cytogenetic location: 5q23.1.
Variant type: single nucleotide variant.
Coding change: c.493G>C on transcript NM_002317.7 (MANE Select); coding-DNA position 493, G replaced by C.
Protein change: p.Gly165Arg; replaces glycine 165 with arginine.
Molecular consequence: missense variant.
Genome position (GRCh38, 1-based): chr5:122,077,493, C>G on the plus strand (G>C on the coding strand, the complement: LOX is on the minus strand). VCF-style: chr5-122077493-C-G. GRCh37 (hg19) VCF-style: chr5-121413188-C-G.
Other names: short protein forms G165R.
Identifiers: ClinVar variation 1307429 (VCV001307429.11), dbSNP rs749364042, ClinGen allele CA3384020.

ClinVar aggregate classification (germline): Conflicting classifications of pathogenicity. Review status: criteria provided, conflicting classifications (1 of 4 stars). 5 submissions from 5 submitters: Uncertain significance (4); Likely benign (1). Last evaluated 2025-10-29.

Conditions:
Aortic aneurysm, familial thoracic 10 (AAT10). Identifiers: MedGen C4284414, MONDO:0014950, OMIM 617168.
Cardiovascular phenotype. Identifiers: MedGen CN230736.

Allele frequency attached by ClinVar (database versions not stated): ExAC 0.00002; gnomAD 0.00004; gnomAD exomes 0.00004.
gnomAD v4.1: 68 of 1,613,784 alleles (0.0042%); highest among the groups gnomAD compares: Middle Eastern, 0.016%; no homozygotes.

Submissions (5):

Labcorp Genetics (formerly Invitae), Labcorp
Classification: Uncertain significance. Last evaluated: 2025-10-29. Review status: criteria provided, single submitter. Criteria: Invitae Variant Classification Sherloc (09022015). Collection method: clinical testing. Allele origin: germline.
Comment: This sequence change replaces glycine, which is neutral and non-polar, with arginine, which is basic and polar, at codon 165 of the LOX protein (p.Gly165Arg). This variant is present in population databases (rs749364042, gnomAD 0.006%). This missense change has been observed in individual(s) with left ventricular noncompaction (PMID: 33082984). ClinVar contains an entry for this variant (Variation ID: 1307429). Invitae Evidence Modeling of protein sequence and biophysical properties (such as structural, functional, and spatial information, amino acid conservation, physicochemical variation, residue mobility, and thermodynamic stability) indicates that this missense variant is not expected to disrupt LOX protein function with a negative predictive value of 95%. In summary, the available evidence is currently insufficient to determine the role of this variant in disease. Therefore, it has been classified as a Variant of Uncertain Significance.

Women's Health and Genetics/Laboratory Corporation of America, LabCorp
Classification: Uncertain significance. Last evaluated: 2025-03-31. Review status: criteria provided, single submitter. Criteria: LabCorp Variant Classification Summary - May 2015. Collection method: clinical testing. Allele origin: germline.
Comment: Variant summary: LOX c.493G>C (p.Gly165Arg) results in a non-conservative amino acid change in the encoded protein sequence. Four of five in-silico tools predict a benign effect of the variant on protein function. The variant allele was found at a frequency of 3.6e-05 in 249080 control chromosomes. The available data on variant occurrences in the general population are insufficient to allow any conclusion about variant significance. c.493G>C has been reported in the literature in at-least one individual affected with Apical left ventricular noncompaction (Ross_2020). These report(s) do not provide unequivocal conclusions about association of the variant with Aortopathy. To our knowledge, no experimental evidence demonstrating an impact on protein function has been reported. The following publication has been ascertained in the context of this evaluation (PMID: 33082984). ClinVar contains an entry for this variant (Variation ID: 1307429). Based on the evidence outlined above, the variant was classified as uncertain significance.

Ambry Genetics
Classification: Likely benign for Cardiovascular phenotype. Last evaluated: 2024-11-29. Review status: criteria provided, single submitter. Criteria: Ambry Variant Classification Scheme 2023. Collection method: clinical testing. Allele origin: germline.

Fulgent Genetics
Classification: Uncertain significance for Aortic aneurysm, familial thoracic 10. Last evaluated: 2021-09-21. Review status: criteria provided, single submitter. Criteria: ACMG Guidelines, 2015. Collection method: clinical testing. Allele origin: unknown.

GeneDx
Classification: Uncertain significance. Last evaluated: 2019-07-25. Review status: criteria provided, single submitter. Criteria: GeneDx Variant Classification Process June 2021. Collection method: clinical testing. Allele origin: germline. Affected: yes.
Comment: Has not been previously published as pathogenic or benign to our knowledge; In silico analysis, which includes protein predictors and evolutionary conservation, supports that this variant does not alter protein structure/function

Literature cited by the submitters: PubMed 33082984 (cited by Labcorp Genetics (formerly Invitae), Labcorp and Women's Health and Genetics/Laboratory Corporation of America, LabCorp).